The following is an entry in ClinVar:

ClinVar aggregate classification (germline): Uncertain significance. Review status: criteria provided, multiple submitters, no conflicts (2 of 4 stars). 3 submissions from 3 submitters: Uncertain significance (3). Last evaluated 2026-08-01.

Allele frequency attached by ClinVar (database versions not stated): TOPMed below 0.00001; gnomAD 0.00001; gnomAD exomes 0.00001 and 0.00002; ExAC 0.00003.
gnomAD v4.1: 15 of 1,613,872 alleles (0.00093%); highest among the groups gnomAD compares: Admixed American, 0.0033%; no homozygotes.

Submissions (3):

CeGaT Center for Human Genetics Tuebingen
Classification: Uncertain significance. Last evaluated: 2026-08-01. Review status: criteria provided, single submitter. Criteria: CeGaT Center For Human Genetics Tuebingen Variant Classification Criteria Version 2. Collection method: clinical testing. Allele origin: germline. Affected: yes. Observed: 1 variant allele.
Comment: UMOD: PM5

Labcorp Genetics (formerly Invitae), Labcorp
Classification: Uncertain significance. Last evaluated: 2025-10-08. Review status: criteria provided, single submitter. Criteria: Invitae Variant Classification Sherloc (09022015). Collection method: clinical testing. Allele origin: germline.
Comment: This sequence change replaces alanine, which is neutral and non-polar, with valine, which is neutral and non-polar, at codon 461 of the UMOD protein (p.Ala461Val). This variant is present in population databases (rs780475918, gnomAD 0.003%). This variant has not been reported in the literature in individuals affected with UMOD-related conditions. ClinVar contains an entry for this variant (Variation ID: 418731). Invitae Evidence Modeling of protein sequence and biophysical properties (such as structural, functional, and spatial information, amino acid conservation, physicochemical variation, residue mobility, and thermodynamic stability) indicates that this missense variant is not expected to disrupt UMOD protein function with a negative predictive value of 80%. In summary, the available evidence is currently insufficient to determine the role of this variant in disease. Therefore, it has been classified as a Variant of Uncertain Significance.

GeneDx
Classification: Uncertain significance. Last evaluated: 2018-08-05. Review status: criteria provided, single submitter. Criteria: GeneDx Variant Classification (06012015). Collection method: clinical testing. Allele origin: germline. Affected: yes.
Comment: The A461V variant in the UMOD gene has not been reported previously as a pathogenic variant, nor as a benign variant, to our knowledge. However, a missense variant at this same codon (A461E) has been reported previously in association with renal disease (Lee et al., 2010; Bollee et al., 2011). The A461V variant is observed in 5/245938 (0.002%) alleles in large population cohorts (Lek et al., 2016). The A461V variant is a conservative amino acid substitution, which is not likely to impact secondary protein structure as these residues share similar properties. In-silico analyses, including protein predictors and evolutionary conservation, support a deleterious effect. We interpret A461V as a variant of uncertain significance.

NM_003361.4(UMOD):c.1382C>T (p.Ala461Val)

Gene: UMOD (uromodulin; minus strand). Cytogenetic location: 16p12.3.
Variant type: single nucleotide variant.
Coding change: c.1382C>T on transcript NM_003361.4 (MANE Select); coding-DNA position 1382, C replaced by T.
Protein change: p.Ala461Val; replaces alanine 461 with valine.
Molecular consequence: missense variant. On other transcripts: non-coding transcript variant (1).
Genome position (GRCh38, 1-based): chr16:20,341,286, G>A on the plus strand (C>T on the coding strand, the complement: UMOD is on the minus strand). VCF-style: chr16-20341286-G-A. GRCh37 (hg19) VCF-style: chr16-20352608-G-A.
Other names: c.1382C>T, p.Ala461Val (NM_001008389.3, NM_001378232.1, NM_001378233.1); c.1481C>T, p.Ala494Val (NM_001278614.2); c.1523C>T, p.Ala508Val (NM_001378234.1, NM_001378235.1); short protein forms A461V, A494V, A508V.
Identifiers: ClinVar variation 418731 (VCV000418731.4), dbSNP rs780475918, ClinGen allele CA7939157.